The following is an entry in ClinVar:

NC_000003.12:g.(?_128486793)_(128487041_?)del

Gene: GATA2 (GATA binding protein 2; minus strand). Cytogenetic location: 3q21.3.
Variant type: Deletion.
Identifiers: ClinVar variation 657370 (VCV000657370.6).

ClinVar aggregate classification (germline): Pathogenic (1 of 4 stars; one submission).

Conditions:
Deafness-lymphedema-leukemia syndrome. Also called: Emberger syndrome; Lymphedema, primary, with myelodysplasia. Identifiers: Orphanet 3226, MedGen C3279664, MONDO:0013540, OMIM 614038.
Monocytopenia with susceptibility to infections. Also called: MONOCYTOPENIA AND MYCOBACTERIAL INFECTION SYNDROME; IMMUNODEFICIENCY 21; GATA2 DEFICIENCY; MONOCYTOPENIA WITH SUSCEPTIBILITY TO MYCOBACTERIAL, FUNGAL, AND PAPILLOMAVIRUS INFECTIONS AND MYELODYSPLASIA; COMBINED IMMUNODEFICIENCY WITH SUSCEPTIBILITY TO MYCOBACTERIAL, VIRAL, AND FUNGAL INFECTIONS; Dendritic cell, monocyte, B lymphocyte, and natural killer lymphocyte deficiency. Identifiers: Orphanet 228423, MedGen C3280030, MONDO:0013607, OMIM 614172.

Submission:

Labcorp Genetics (formerly Invitae), Labcorp
Classification: Pathogenic for Monocytopenia with susceptibility to infections; Deafness-lymphedema-leukemia syndrome. Last evaluated: 2019-01-19. Review status: criteria provided, single submitter. Criteria: Invitae Variant Classification Sherloc (09022015). Collection method: clinical testing. Allele origin: germline.
Comment: For these reasons, this variant has been classified as Pathogenic. Loss-of-function variants in GATA2 are known to be pathogenic (PMID: 21670465, 23223431). This variant has not been reported in the literature in individuals with GATA2-related disease. This variant is a gross deletion of the genomic region encompassing exon 2 of the GATA2 gene, which includes the initiator codon. The 5' end of this event is unknown as it extends beyond the assayed region for this gene and therefore may encompass additional genes. The 3' boundary is likely confined to intron 2 of the GATA2 gene. This is expected to result in an absent or disrupted protein product.

Literature cited by the submitters: PubMed 21670465; PubMed 23223431.